The following is an entry in ClinVar:

NM_001369369.1(FOXN1):c.480G>T (p.Glu160Asp)

Gene: FOXN1 (forkhead box N1; plus strand). Cytogenetic location: 17q11.2.
Variant type: single nucleotide variant.
Coding change: c.480G>T on transcript NM_001369369.1 (MANE Select); coding-DNA position 480, G replaced by T.
Protein change: p.Glu160Asp; replaces glutamic acid 160 with aspartic acid.
Molecular consequence: missense variant.
Genome position (GRCh38, 1-based): chr17:28,524,859, G>T. VCF-style: chr17-28524859-G-T. GRCh37 (hg19) VCF-style: chr17-26851877-G-T.
Other names: c.480G>T, p.Glu160Asp (NM_003593.3); short protein forms E160D.
Identifiers: ClinVar variation 3625788 (VCV003625788.2).

ClinVar aggregate classification (germline): Uncertain significance (1 of 4 stars; one submission).

Conditions:
T-cell immunodeficiency, congenital alopecia, and nail dystrophy. Also called: Congenital alopecia and nail dystrophy associated with severe functional T-cell immunodeficiency; Pignata Guarino syndrome. Identifiers: Orphanet 169095, MedGen C1866426, MONDO:0011132, OMIM 601705.

gnomAD v4.1: 4 of 1,613,634 alleles (0.00025%); highest among the groups gnomAD compares: African/African-American, 0.0053%; no homozygotes.

Submission:

Labcorp Genetics (formerly Invitae), Labcorp
Classification: Uncertain significance for T-cell immunodeficiency, congenital alopecia, and nail dystrophy. Last evaluated: 2024-05-14. Review status: criteria provided, single submitter. Criteria: Invitae Variant Classification Sherloc (09022015). Collection method: clinical testing. Allele origin: germline.
Comment: This sequence change replaces glutamic acid, which is acidic and polar, with aspartic acid, which is acidic and polar, at codon 160 of the FOXN1 protein (p.Glu160Asp). This variant is present in population databases (no rsID available, gnomAD 0.01%). This variant has not been reported in the literature in individuals affected with FOXN1-related conditions. Advanced modeling of protein sequence and biophysical properties (such as structural, functional, and spatial information, amino acid conservation, physicochemical variation, residue mobility, and thermodynamic stability) performed at Invitae indicates that this missense variant is not expected to disrupt FOXN1 protein function with a negative predictive value of 80%. In summary, the available evidence is currently insufficient to determine the role of this variant in disease. Therefore, it has been classified as a Variant of Uncertain Significance.